The following is an entry in ClinVar:

ClinVar aggregate classification (germline): Uncertain significance (1 of 4 stars; one submission).

Conditions:
Cardiovascular phenotype. Identifiers: MedGen CN230736.
Hereditary cancer-predisposing syndrome. Also called: Tumor predisposition; Neoplastic Syndromes, Hereditary; Hereditary Cancer Syndrome; Hereditary neoplastic syndrome. Identifiers: Orphanet 140162, MedGen C0027672, MeSH D009386, MONDO:0015356.

Submission:

Ambry Genetics
Classification: Uncertain significance for Cardiovascular phenotype; Hereditary cancer-predisposing syndrome. Last evaluated: 2024-12-16. Review status: criteria provided, single submitter. Criteria: Ambry Variant Classification Scheme 2023. Collection method: clinical testing. Allele origin: germline.
Comment: The p.M739I variant (also known as c.2217G>A), located in coding exon 18 of the NF1 gene, results from a G to A substitution at nucleotide position 2217. The methionine at codon 739 is replaced by isoleucine, an amino acid with highly similar properties. This amino acid position is well conserved in available vertebrate species. In addition, this alteration is predicted to be tolerated by in silico analysis. Based on the available evidence, the clinical significance of this variant remains unclear.

NM_001042492.3(NF1):c.2217G>A (p.Met739Ile)

Gene: NF1 (neurofibromin 1; plus strand). Cytogenetic location: 17q11.2.
Variant type: single nucleotide variant.
Coding change: c.2217G>A on transcript NM_001042492.3 (MANE Select); coding-DNA position 2217, G replaced by A.
Protein change: p.Met739Ile; replaces methionine 739 with isoleucine.
Molecular consequence: missense variant.
Genome position (GRCh38, 1-based): chr17:31,226,650, G>A. VCF-style: chr17-31226650-G-A. GRCh37 (hg19) VCF-style: chr17-29553668-G-A.
Other names: c.2217G>A, p.Met739Ile (NM_000267.4); short protein forms M739I.
Identifiers: ClinVar variation 3878994 (VCV003878994.1).
Genomic context (GRCh38, chr17:31,226,650, plus strand): 5'-CCGGTGTGGGGTGGATGAAGTGTCAGTGCATAACCTCTTGCCCAACTATAACACATTCAT[G>A]GAGTTTGCCTCTGTCAGCAATATGATGTCAACAGGTAAATGTGAATAGTGGTTTTTTTTA-3'
Protein context (NP_001035957.1, residues 729-749): HNLLPNYNTF[Met739Ile]EFASVSNMMS